The following is an entry in ClinVar:

ClinVar aggregate classification (germline): Likely benign. Review status: criteria provided, multiple submitters, no conflicts (2 of 4 stars). 3 submissions from 3 submitters: Likely benign (3). Last evaluated 2022-12-01.

Allele frequency attached by ClinVar (database versions not stated): 1000 Genomes Project 0.00180; 1000 Genomes Project 30x 0.00203; ESP Exome Variant Server 0.00331; gnomAD exomes 0.00333; ExAC 0.00358; gnomAD 0.00366 and 0.00387; TOPMed 0.00419.
gnomAD v4.1: 7,222 of 1,613,758 alleles (0.45%); highest among the groups gnomAD compares: Non-Finnish European, 0.54%; 24 homozygotes.

Submissions (3):

CeGaT Center for Human Genetics Tuebingen
Classification: Likely benign. Last evaluated: 2022-12-01. Review status: criteria provided, single submitter. Criteria: CeGaT Center For Human Genetics Tuebingen Variant Classification Criteria Version 2. Collection method: clinical testing. Allele origin: germline. Affected: yes. Observed: 1 variant allele.
Comment: DLG5: BP4, BS2

Labcorp Genetics (formerly Invitae), Labcorp
Classification: Likely benign. Last evaluated: 2019-12-31. Review status: criteria provided, single submitter. Criteria: Invitae Variant Classification Sherloc (09022015). Collection method: clinical testing. Allele origin: germline.

Breakthrough Genomics
Classification: Likely benign. Review status: criteria provided, single submitter. Criteria: ACMG Guidelines, 2015. Collection method: not provided. Allele origin: germline. Inheritance: Unknown mechanism. Affected: yes.

NM_004747.4(DLG5):c.4819G>A (p.Asp1607Asn)

Gene: DLG5 (discs large MAGUK scaffold protein 5; minus strand). Cytogenetic location: 10q22.3.
Variant type: single nucleotide variant.
Coding change: c.4819G>A on transcript NM_004747.4 (MANE Select); coding-DNA position 4819, G replaced by A.
Protein change: p.Asp1607Asn; replaces aspartic acid 1607 with asparagine.
Molecular consequence: missense variant.
Genome position (GRCh38, 1-based): chr10:77,806,906, C>T on the plus strand (G>A on the coding strand, the complement: DLG5 is on the minus strand). VCF-style: chr10-77806906-C-T. GRCh37 (hg19) VCF-style: chr10-79566664-C-T.
Other names: short protein forms D1607N.
Identifiers: ClinVar variation 728461 (VCV000728461.29), dbSNP rs147733899, ClinGen allele CA5569117.
Genomic context (GRCh38, chr10:77,806,906, plus strand): 5'-GTAAGGTGTCATCCACGTAGAGGATGTCGTCCTTCTTAAAGCTCAACTCTTGCTCCACAT[C>T]TGCCAGCCGGTCGTACAGGGCCCTGGACCACAGCACAGAAGGAACACGATCAGGCGGCTC-3'
Protein context (NP_004738.3, residues 1597-1617): YIRALYDRLA[Asp1607Asn]VEQELSFKKD